The following is an entry in ClinVar:

NM_015443.4(KANSL1):c.620A>T (p.Asn207Ile)

Gene: KANSL1 (KAT8 regulatory NSL complex subunit 1). Cytogenetic location: 17q21.31.
Variant type: single nucleotide variant.
Coding change: c.620A>T on transcript NM_015443.4 (MANE Select); coding-DNA position 620, A replaced by T.
Protein change: p.Asn207Ile; replaces asparagine 207 with isoleucine.
Molecular consequence: missense variant.
Genome position (GRCh38, 1-based): chr17:46,171,524, T>A on the plus strand (A>T on the coding strand, the complement: KANSL1 is on the minus strand). VCF-style: chr17-46171524-T-A. GRCh37 (hg19) VCF-style: chr17-44248890-T-A.
Other names: c.620A>T, p.Asn207Ile (NM_001193465.2, NM_001193466.2, NM_001379198.1); short protein forms N207I.
Identifiers: ClinVar variation 386241 (VCV000386241.10), dbSNP rs144882998, ClinGen allele CA16607720.
Genomic context (GRCh38, chr17:46,171,524, plus strand): 5'-CTATTATTGCTATACAAAGTTGTGTGTTCTACATCAAGGCTTCTATGTGGAAGAGTGCAA[T>A]TGGTCATACCCCCCTTCAAGTCCCCAGATTCAGATCCTCCCATTTCACCCCCATGAAGAG-3'
Protein context (NP_056258.1, residues 197-217): ESGDLKGGMT[Asn207Ile]CTLPHRSLDV

ClinVar aggregate classification (germline): Conflicting classifications of pathogenicity. Review status: criteria provided, conflicting classifications (1 of 4 stars). 2 submissions from 2 submitters: Uncertain significance (1); Likely benign (1). Last evaluated 2019-03-28.

Conditions:
Koolen-de Vries syndrome (KDVS). Identifiers: Orphanet 96169, MedGen C1864871, MONDO:0012496, OMIM 610443.

Submissions (2):

Labcorp Genetics (formerly Invitae), Labcorp
Classification: Uncertain significance for Koolen-de Vries syndrome. Last evaluated: 2019-03-28. Review status: criteria provided, single submitter. Criteria: Invitae Variant Classification Sherloc (09022015). Collection method: clinical testing. Allele origin: germline.
Comment: In summary, the available evidence is currently insufficient to determine the role of this variant in disease. Therefore, it has been classified as a Variant of Uncertain Significance. Algorithms developed to predict the effect of missense changes on protein structure and function are either unavailable or do not agree on the potential impact of this missense change (SIFT: "Deleterious"; PolyPhen-2: "Possibly Damaging"; Align-GVGD: "Class C15"). This variant has not been reported in the literature in individuals with KANSL1-related conditions. ClinVar contains an entry for this variant (Variation ID: 386241). This variant is not present in population databases (ExAC no frequency). This sequence change replaces asparagine with isoleucine at codon 207 of the KANSL1 protein (p.Asn207Ile). The asparagine residue is highly conserved and there is a large physicochemical difference between asparagine and isoleucine.

GeneDx
Classification: Likely benign. Last evaluated: 2016-05-18. Review status: criteria provided, single submitter. Criteria: GeneDx Variant Classification (06012015). Collection method: clinical testing. Allele origin: germline. Affected: yes.
Comment: This variant is considered likely benign or benign based on one or more of the following criteria: it is a conservative change, it occurs at a poorly conserved position in the protein, it is predicted to be benign by multiple in silico algorithms, and/or has population frequency not consistent with disease.